The following is an entry in ClinVar:

ClinVar aggregate classification (germline): Uncertain significance (1 of 4 stars; one submission).

Conditions:
Marfan syndrome (MFS). Also called: MARFAN SYNDROME, TYPE I; Marfan syndrome type 1; Marfan's syndrome; Marfan syndrome, classic; FBN1-Related Marfan Syndrome. Identifiers: Orphanet 284963, Orphanet 558, MedGen C0024796, MONDO:0007947, OMIM 154700.
Familial thoracic aortic aneurysm and aortic dissection (TAAD). Also called: Thoracic aortic aneurysms and dissections. Identifiers: Orphanet 91387, MedGen C4707243, MONDO:0019625.

Submission:

Labcorp Genetics (formerly Invitae), Labcorp
Classification: Uncertain significance for Marfan syndrome; Familial thoracic aortic aneurysm and aortic dissection. Last evaluated: 2021-09-25. Review status: criteria provided, single submitter. Criteria: Invitae Variant Classification Sherloc (09022015). Collection method: clinical testing. Allele origin: germline.
Comment: In summary, the available evidence is currently insufficient to determine the role of this variant in disease. Therefore, it has been classified as a Variant of Uncertain Significance. Advanced modeling of protein sequence and biophysical properties (such as structural, functional, and spatial information, amino acid conservation, physicochemical variation, residue mobility, and thermodynamic stability) performed at Invitae indicates that this missense variant is expected to disrupt FBN1 protein function. This variant has not been reported in the literature in individuals affected with FBN1-related conditions. This variant is not present in population databases (ExAC no frequency). This sequence change replaces serine with cysteine at codon 2664 of the FBN1 protein (p.Ser2664Cys). The serine residue is highly conserved and there is a moderate physicochemical difference between serine and cysteine.

NM_000138.5(FBN1):c.7991C>G (p.Ser2664Cys)

Gene: FBN1 (fibrillin 1; minus strand). Cytogenetic location: 15q21.1.
Variant type: single nucleotide variant.
Coding change: c.7991C>G on transcript NM_000138.5 (MANE Select); coding-DNA position 7991, C replaced by G.
Protein change: p.Ser2664Cys; replaces serine 2664 with cysteine.
Molecular consequence: missense variant.
Genome position (GRCh38, 1-based): chr15:48,415,596, G>C on the plus strand (C>G on the coding strand, the complement: FBN1 is on the minus strand). VCF-style: chr15-48415596-G-C. GRCh37 (hg19) VCF-style: chr15-48707793-G-C.
Other names: short protein forms S2664C.
Identifiers: ClinVar variation 1428817 (VCV001428817.6), dbSNP rs2042896586, ClinGen allele CA392322756.
Genomic context (GRCh38, chr15:48,415,596, plus strand): 5'-CCTTGGCCTATGCGGAAGTAACCAGGTGGACAGCCACACAGGTAACCGCCCTCGGTATTG[G>C]AACAGCCATAGCTGCAGGGGGCCTGCGCAGAGCCACATTCATTGATGTCTTGGCATCCTC-3'
Protein context (NP_000129.3, residues 2654-2674): SAQAPCSYGC[Ser2664Cys]NTEGGYLCGC